The following is an entry in ClinVar:

ClinVar aggregate classification (germline): Uncertain significance (1 of 4 stars; one submission).

Conditions:
Noonan syndrome 9 (NS9). Identifiers: Orphanet 648, MedGen C4225282, MONDO:0014691, OMIM 616559.

gnomAD v4.1: 3 of 1,600,560 alleles (0.00019%); highest among the groups gnomAD compares: Non-Finnish European, 0.00017%; no homozygotes.

Submission:

Labcorp Genetics (formerly Invitae), Labcorp
Classification: Uncertain significance for Noonan syndrome 9. Last evaluated: 2025-07-22. Review status: criteria provided, single submitter. Criteria: Invitae Variant Classification Sherloc (09022015). Collection method: clinical testing. Allele origin: germline.
Comment: This sequence change replaces alanine, which is neutral and non-polar, with threonine, which is neutral and polar, at codon 723 of the SOS2 protein (p.Ala723Thr). This variant is not present in population databases (gnomAD no frequency). This variant has not been reported in the literature in individuals affected with SOS2-related conditions. Invitae Evidence Modeling of protein sequence and biophysical properties (such as structural, functional, and spatial information, amino acid conservation, physicochemical variation, residue mobility, and thermodynamic stability) indicates that this missense variant is not expected to disrupt SOS2 protein function with a negative predictive value of 95%. In summary, the available evidence is currently insufficient to determine the role of this variant in disease. Therefore, it has been classified as a Variant of Uncertain Significance.

NM_006939.4(SOS2):c.2167G>A (p.Ala723Thr)

Gene: SOS2 (SOS Ras/Rho guanine nucleotide exchange factor 2; minus strand). Cytogenetic location: 14q21.3.
Variant type: single nucleotide variant.
Coding change: c.2167G>A on transcript NM_006939.4 (MANE Select); coding-DNA position 2167, G replaced by A.
Protein change: p.Ala723Thr; replaces alanine 723 with threonine.
Molecular consequence: missense variant.
Genome position (GRCh38, 1-based): chr14:50,150,225, C>T on the plus strand (G>A on the coding strand, the complement: SOS2 is on the minus strand). VCF-style: chr14-50150225-C-T. GRCh37 (hg19) VCF-style: chr14-50616943-C-T.
Other names: c.2068G>A, p.Ala690Thr (NM_001411020.1); short protein forms A723T, A690T.
Identifiers: ClinVar variation 4706239 (VCV004706239.1).
Genomic context (GRCh38, chr14:50,150,225, plus strand): 5'-CCTGAGCTTGCTTCTTCCTCCTGATGATCTTAGCAATTGACTCTACCCATTTTTTCATAG[C>T]TTTCCCTGGAAAAAGAACACATAAAGAAAAATGTCTTTTACTTGACAGACATGACTGCAA-3'
Protein context (NP_008870.2, residues 713-733): ESFISSVRGK[Ala723Thr]MKKWVESIAK